The following is an entry in ClinVar:

NM_000053.4(ATP7B):c.442C>T (p.Arg148Trp)

Gene: ATP7B (ATPase copper transporting beta; minus strand). Cytogenetic location: 13q14.3.
Variant type: single nucleotide variant.
Coding change: c.442C>T on transcript NM_000053.4 (MANE Select); coding-DNA position 442, C replaced by T.
Protein change: p.Arg148Trp; replaces arginine 148 with tryptophan.
Molecular consequence: missense variant.
Genome position (GRCh38, 1-based): chr13:51,974,778, G>A on the plus strand (C>T on the coding strand, the complement: ATP7B is on the minus strand). VCF-style: chr13-51974778-G-A. GRCh37 (hg19) VCF-style: chr13-52548914-G-A.
Other names: p.Arg148Trp; c.442C>T, p.Arg148Trp (NM_001005918.3, NM_001243182.2, NM_001330578.2 and 1 more transcripts); short protein forms R148W.
Identifiers: ClinVar variation 714666 (VCV000714666.46), dbSNP rs373762572, ClinGen allele CA6989562.
Genomic context (GRCh38, chr13:51,974,778, plus strand): 5'-GTTTCCGGACCTTGCCTTCAATGGAGCTGACACAGGACTGGCAGGTCATGCCCTCCACCC[G>A]GAGCTTGACCACAGCCTCCTGGGCAGGCAAGGACCTTGAGGGCCAGGAGGCTGCCTTTCC-3'
Protein context (NP_000044.2, residues 138-158): LPAQEAVVKL[Arg148Trp]VEGMTCQSCV

ClinVar aggregate classification (germline): Likely benign. Review status: criteria provided, multiple submitters, no conflicts (2 of 4 stars). 10 submissions from 10 submitters: Likely benign (8). 2 of the submissions do not count toward it. Last evaluated 2026-02-01.

Conditions:
Wilson disease (WND). Also called: Wilson's disease. Identifiers: Orphanet 905, MedGen C0019202, MONDO:0010200, OMIM 277900. Disease mechanism: loss of function.
ATP7B-related disorder. Also called: ATP7B-related condition.

Allele frequency attached by ClinVar (database versions not stated): gnomAD 0.00006 and 0.00032; ESP Exome Variant Server 0.00008; TOPMed 0.00010; ExAC 0.00136; 1000 Genomes Project 30x 0.00187; 1000 Genomes Project 0.00220.
gnomAD v4.1: 912 of 1,614,044 alleles (0.057%); highest among the groups gnomAD compares: South Asian, 0.9%; 14 homozygotes.

Submissions (10):

Labcorp Genetics (formerly Invitae), Labcorp
Classification: Likely benign for Wilson disease. Last evaluated: 2026-02-01. Review status: criteria provided, single submitter. Criteria: Invitae Variant Classification Sherloc (09022015). Collection method: clinical testing. Allele origin: germline.

Mayo Clinic Laboratories, Mayo Clinic
Classification: Likely benign. Last evaluated: 2025-04-15. Review status: criteria provided, single submitter. Criteria: ACMG Guidelines, 2015. Collection method: clinical testing. Allele origin: germline. Observed: 2 variant alleles.
Comment: BS1

Blueprint Genetics
Classification: Likely benign. Last evaluated: 2024-10-22. Review status: criteria provided, single submitter. Criteria: ACMG Guidelines, 2015. Collection method: clinical testing. Allele origin: germline.

CeGaT Center for Human Genetics Tuebingen
Classification: Likely benign. Last evaluated: 2024-04-01. Review status: criteria provided, single submitter. Criteria: CeGaT Center For Human Genetics Tuebingen Variant Classification Criteria Version 2. Collection method: clinical testing. Allele origin: germline. Affected: yes. Observed: 1 variant allele.
Comment: ATP7B: BS2

All of Us Research Program, National Institutes of Health
Classification: Likely benign for Wilson disease. Last evaluated: 2024-01-11. Review status: criteria provided, single submitter. Criteria: ACMG Guidelines, 2015. Collection method: clinical testing. Allele origin: germline. Inheritance: Autosomal recessive inheritance. Observed: 30 variant alleles, 30 heterozygotes.
Comment: This study involves interpretation of variants in research participants for the purpose of population health screening. Participant phenotype was not available at the time of variant classification. Additional details can be found in publication PMID: 35346344, PMCID: PMC8962531

Color Diagnostics, LLC DBA Color Health
Classification: Likely benign for Wilson disease. Last evaluated: 2022-09-29. Review status: criteria provided, single submitter. Criteria: ACMG Guidelines, 2015. Collection method: clinical testing. Allele origin: germline.

GeneDx
Classification: Likely benign. Last evaluated: 2020-12-21. Review status: criteria provided, single submitter. Criteria: GeneDx Variant Classification Process June 2021. Collection method: clinical testing. Allele origin: germline. Affected: yes.
Comment: This variant is associated with the following publications: (PMID: 28726123, 23551039, 30556376, 23518715)

Illumina Laboratory Services, Illumina
Classification: Likely benign for Wilson disease. Last evaluated: 2017-04-27. Review status: criteria provided, single submitter. Criteria: ICSL Variant Classification Criteria 13 December 2019. Collection method: clinical testing. Allele origin: germline.
Comment: This variant was observed as part of a predisposition screen in an ostensibly healthy population. A literature search was performed for the gene, cDNA change, and amino acid change (where applicable). Publications were found based on this search. The evidence from the literature, in combination with allele frequency data from public databases where available, was sufficient to determine this variant is unlikely to cause disease. Therefore, this variant is classified as likely benign.

PreventionGenetics, part of Exact Sciences
Classification: Likely benign for ATP7B-related condition. Last evaluated: 2022-09-28. Review status: no assertion criteria provided. Collection method: clinical testing. Allele origin: germline. Not counted in ClinVar's aggregate classification.
Comment: This variant is classified as likely benign based on ACMG/AMP sequence variant interpretation guidelines (Richards et al. 2015 PMID: 25741868, with internal and published modifications).

Natera, Inc.
Classification: Benign for Wilson disease. Last evaluated: 2020-04-15. Review status: no assertion criteria provided. Collection method: clinical testing. Allele origin: germline. Not counted in ClinVar's aggregate classification.

Literature cited by the submitters: PubMed 23518715 (cited by Mayo Clinic Laboratories, Mayo Clinic and Illumina Laboratory Services, Illumina); PubMed 30556376 (cited by Mayo Clinic Laboratories, Mayo Clinic); PubMed 36096368 (cited by Mayo Clinic Laboratories, Mayo Clinic).